The following is an entry in ClinVar:

ClinVar aggregate classification (germline): Uncertain significance (1 of 4 stars; one submission).

Conditions:
Creatine transporter deficiency (CCDS1). Also called: CEREBRAL CREATINE DEFICIENCY SYNDROME 1; Creatine Transporter (CRTR) Deficiency; Mental retardation , X-linked with seizures, short stature and midface hypoplasia; Mental retardation , X-linked, with creatine transport deficiency; X-linked creatine transporter deficiency; X-linked creatine deficiency syndrome. Identifiers: Orphanet 52503, MedGen C1845862, MONDO:0010305, OMIM 300352.

Submission:

Labcorp Genetics (formerly Invitae), Labcorp
Classification: Uncertain significance for Creatine transporter deficiency. Last evaluated: 2021-12-19. Review status: criteria provided, single submitter. Criteria: Invitae Variant Classification Sherloc (09022015). Collection method: clinical testing. Allele origin: germline.
Comment: This sequence change replaces serine, which is neutral and polar, with arginine, which is basic and polar, at codon 417 of the SLC6A8 protein (p.Ser417Arg). This variant is not present in population databases (gnomAD no frequency). This variant has not been reported in the literature in individuals affected with SLC6A8-related conditions. Advanced modeling of protein sequence and biophysical properties (such as structural, functional, and spatial information, amino acid conservation, physicochemical variation, residue mobility, and thermodynamic stability) performed at Invitae indicates that this missense variant is expected to disrupt SLC6A8 protein function. In summary, the available evidence is currently insufficient to determine the role of this variant in disease. Therefore, it has been classified as a Variant of Uncertain Significance.

NM_005629.4(SLC6A8):c.1251C>A (p.Ser417Arg)

Gene: SLC6A8 (solute carrier family 6 member 8; plus strand). Cytogenetic location: Xq28.
Variant type: single nucleotide variant.
Coding change: c.1251C>A on transcript NM_005629.4 (MANE Select); coding-DNA position 1251, C replaced by A.
Protein change: p.Ser417Arg; replaces serine 417 with arginine.
Molecular consequence: missense variant.
Genome position (GRCh38, 1-based): chrX:153,694,014, C>A. VCF-style: chrX-153694014-C-A. GRCh37 (hg19) VCF-style: chrX-152959469-C-A.
Other names: c.1221C>A, p.Ser407Arg (NM_001142805.2); c.906C>A, p.Ser302Arg (NM_001142806.1); short protein forms S407R, S302R, S417R.
Identifiers: ClinVar variation 2049216 (VCV002049216.4), dbSNP rs1557045331, ClinGen allele CA415086636.